The following is an entry in ClinVar:

ClinVar aggregate classification (germline): Uncertain significance (1 of 4 stars; one submission).

Conditions:
Pyruvate dehydrogenase E3 deficiency (DLDD). Also called: Lipoamide dehydrogenase deficiency, lactic acidosis due to; Dihydrolipoamide Dehydrogenase (E3) Deficiency; Lipoamide dehydrogenase deficiency; MAPLE SYRUP URINE DISEASE, TYPE III; Dihydrolipoamide Dehydrogenase E3 Deficiency; Dihydrolipoamide Dehydrogenase Deficiency. Identifiers: Orphanet 2394, Orphanet 765, MedGen C5574660, MONDO:0009529, OMIM 246900.

Allele frequency attached by ClinVar (database versions not stated): TOPMed 0.00001.
gnomAD v4.1: 2 of 1,597,934 alleles (0.00013%); highest among the groups gnomAD compares: Non-Finnish European, 0.00017%; no homozygotes.

Submission:

Labcorp Genetics (formerly Invitae), Labcorp
Classification: Uncertain significance for Pyruvate dehydrogenase E3 deficiency. Last evaluated: 2021-08-28. Review status: criteria provided, single submitter. Criteria: Invitae Variant Classification Sherloc (09022015). Collection method: clinical testing. Allele origin: germline.
Comment: This sequence change replaces histidine with leucine at codon 102 of the DLD protein (p.His102Leu). The histidine residue is highly conserved and there is a moderate physicochemical difference between histidine and leucine. This variant is not present in population databases (ExAC no frequency). This variant has not been reported in the literature in individuals affected with DLD-related conditions. Algorithms developed to predict the effect of missense changes on protein structure and function are either unavailable or do not agree on the potential impact of this missense change (SIFT: "Deleterious"; PolyPhen-2: "Benign"; Align-GVGD: "Class C35"). In summary, the available evidence is currently insufficient to determine the role of this variant in disease. Therefore, it has been classified as a Variant of Uncertain Significance.

NM_000108.5(DLD):c.305A>T (p.His102Leu)

Gene: DLD (dihydrolipoamide dehydrogenase; plus strand). Cytogenetic location: 7q31.1.
Variant type: single nucleotide variant.
Coding change: c.305A>T on transcript NM_000108.5 (MANE Select); coding-DNA position 305, A replaced by T.
Protein change: p.His102Leu; replaces histidine 102 with leucine.
Molecular consequence: missense variant.
Genome position (GRCh38, 1-based): chr7:107,903,515, A>T. VCF-style: chr7-107903515-A-T. GRCh37 (hg19) VCF-style: chr7-107543960-A-T.
Other names: c.8A>T, p.His3Leu (NM_001289750.1); c.236A>T, p.His79Leu (NM_001289751.1); c.305A>T, p.His102Leu (NM_001289752.1); short protein forms H3L, H102L, H79L.
Identifiers: ClinVar variation 837401 (VCV000837401.7), dbSNP rs893865374, ClinGen allele CA164248592.